The following is an entry in ClinVar:

ClinVar aggregate classification (germline): Uncertain significance (1 of 4 stars; one submission).

Submission:

GeneDx
Classification: Uncertain significance. Last evaluated: 2025-04-17. Review status: criteria provided, single submitter. Criteria: GeneDx Variant Classification Process June 2021. Collection method: clinical testing. Allele origin: germline. Affected: yes.
Comment: Not observed at significant frequency in large population cohorts (gnomAD); In silico analysis indicates that this missense variant does not alter protein structure/function; Has not been previously published as pathogenic or benign to our knowledge

NM_021072.4(HCN1):c.595G>A (p.Val199Ile)

Gene: HCN1 (hyperpolarization activated cyclic nucleotide gated potassium channel 1; minus strand). Cytogenetic location: 5p12.
Variant type: single nucleotide variant.
Coding change: c.595G>A on transcript NM_021072.4 (MANE Select); coding-DNA position 595, G replaced by A.
Protein change: p.Val199Ile; replaces valine 199 with isoleucine.
Molecular consequence: missense variant.
Genome position (GRCh38, 1-based): chr5:45,645,439, C>T on the plus strand (G>A on the coding strand, the complement: HCN1 is on the minus strand). VCF-style: chr5-45645439-C-T. GRCh37 (hg19) VCF-style: chr5-45645541-C-T.
Other names: short protein forms V199I.
Identifiers: ClinVar variation 3377837 (VCV003377837.2).